The following is an entry in ClinVar:

ClinVar aggregate classification (germline): Likely benign. Review status: criteria provided, multiple submitters, no conflicts (2 of 4 stars). 2 submissions from 2 submitters: Likely benign (2). Last evaluated 2025-12-01.

Conditions:
ALG6-congenital disorder of glycosylation 1C (CDG1C). Also called: CDG Ic; CARBOHYDRATE-DEFICIENT GLYCOPROTEIN SYNDROME, TYPE I, WITH DEFICIENT GLYCOSYLATION OF DOLICHOL-LINKED OLIGOSACCHARIDE; CARBOHYDRATE-DEFICIENT GLYCOPROTEIN SYNDROME, TYPE V; Congenital disorder of glycosylation type 1C; Congenital disorder of glycosylation, type Ic. Identifiers: Orphanet 79320, MedGen C2930997, MONDO:0011291, OMIM 603147.

Allele frequency attached by ClinVar (database versions not stated): gnomAD exomes 0.00001 and 0.00002; ExAC 0.00002; TOPMed 0.00002; gnomAD 0.00003; ESP Exome Variant Server 0.00008.
gnomAD v4.1: 31 of 1,613,408 alleles (0.0019%); highest among the groups gnomAD compares: Non-Finnish European, 0.0024%; no homozygotes.

Submissions (2):

Labcorp Genetics (formerly Invitae), Labcorp
Classification: Likely benign for ALG6-congenital disorder of glycosylation 1C. Last evaluated: 2025-12-01. Review status: criteria provided, single submitter. Criteria: Invitae Variant Classification Sherloc (09022015). Collection method: clinical testing. Allele origin: germline.

GeneDx
Classification: Likely benign. Last evaluated: 2017-11-03. Review status: criteria provided, single submitter. Criteria: GeneDx Variant Classification (06012015). Collection method: clinical testing. Allele origin: germline. Affected: yes.
Comment: This variant is considered likely benign or benign based on one or more of the following criteria: it is a conservative change, it occurs at a poorly conserved position in the protein, it is predicted to be benign by multiple in silico algorithms, and/or has population frequency not consistent with disease.

NM_013339.4(ALG6):c.669C>T (p.Leu223=)

Gene: ALG6 (ALG6 alpha-1,3-glucosyltransferase; plus strand). Cytogenetic location: 1p31.3.
Variant type: single nucleotide variant.
Coding change: c.669C>T on transcript NM_013339.4 (MANE Select); coding-DNA position 669, C replaced by T.
Protein change: p.Leu223=; no amino-acid change (leucine 223 retained).
Molecular consequence: synonymous variant.
Genome position (GRCh38, 1-based): chr1:63,411,320, C>T. VCF-style: chr1-63411320-C-T. GRCh37 (hg19) VCF-style: chr1-63876991-C-T.
Other names: c.669C>T, p.Leu223= (LRG_1260t1).
Identifiers: ClinVar variation 512986 (VCV000512986.9), dbSNP rs377089305, ClinGen allele CA888214.